The following is an entry in ClinVar:

ClinVar aggregate classification (germline): Uncertain significance. Review status: criteria provided, multiple submitters, no conflicts (2 of 4 stars). 2 submissions from 2 submitters: Uncertain significance (2). Last evaluated 2022-09-08.

Allele frequency attached by ClinVar (database versions not stated): gnomAD 0.00001; gnomAD exomes 0.00001; TOPMed 0.00001; ExAC 0.00003.
gnomAD v4.1: 8 of 1,610,050 alleles (0.0005%); highest among the groups gnomAD compares: Middle Eastern, 0.049%; no homozygotes.

Submissions (3):

GeneDx
Classification: Uncertain significance. Last evaluated: 2022-09-08. Review status: criteria provided, single submitter. Criteria: GeneDx Variant Classification Process June 2021. Collection method: clinical testing. Allele origin: germline. Affected: yes.
Comment: Not observed at significant frequency in large population cohorts (gnomAD); Missense variant in a gene in which most reported pathogenic variants are truncating/loss of function; Has not been previously published as pathogenic or benign to our knowledge; This variant is associated with the following publications: (PMID: 23975875)

CeGaT Center for Human Genetics Tuebingen
Classification: Uncertain significance. Last evaluated: 2018-12-01. Review status: criteria provided, single submitter. Criteria: CeGaT Center For Human Genetics Tuebingen Variant Classification Criteria Version 2. Collection method: clinical testing. Allele origin: germline. Affected: yes. Observed: 1 variant allele.

Dr. Peter K. Rogan Lab, Western University
No classification provided (evidence only). Condition: Malignant tumor of esophagus. Review status: no classification provided. Collection method: in vitro. Allele origin: not applicable. Functional consequence: retained intron. Not counted in ClinVar's aggregate classification.

NM_001267550.2(TTN):c.31885A>G (p.Ile10629Val)

Gene: TTN (titin; minus strand). Cytogenetic location: 2q31.2.
Variant type: single nucleotide variant.
Coding change: c.31885A>G on transcript NM_001267550.2 (MANE Select); coding-DNA position 31885, A replaced by G.
Protein change: p.Ile10629Val; replaces isoleucine 10629 with valine.
Molecular consequence: missense variant. On other transcripts: intron variant (3).
Genome position (GRCh38, 1-based): chr2:178,689,557, T>C on the plus strand (A>G on the coding strand, the complement: TTN is on the minus strand). VCF-style: chr2-178689557-T-C. GRCh37 (hg19) VCF-style: chr2-179554284-T-C.
Other names: NC_000002.11:g.179554284T>C; c.30934A>G, p.Ile10312Val (NM_001256850.1); c.28153A>G, p.Ile9385Val (NM_133378.4); c.13283-47240A>G (NM_003319.4); c.13859-47240A>G (NM_133437.4); c.13658-47240A>G (NM_133432.3); c.31885A>G (NM_001267550.1); short protein forms I10312V, I10629V, I9385V.
Identifiers: ClinVar variation 809035 (VCV000809035.44), dbSNP rs753824961, ClinGen allele CA1998812.